The following is an entry in ClinVar:

NM_001379500.1(COL18A1):c.2031G>C (p.Gln677His)

Gene: COL18A1 (collagen type XVIII alpha 1 chain; plus strand). Cytogenetic location: 21q22.3.
Variant type: single nucleotide variant.
Coding change: c.2031G>C on transcript NM_001379500.1 (MANE Select); coding-DNA position 2031, G replaced by C.
Protein change: p.Gln677His; replaces glutamine 677 with histidine.
Molecular consequence: missense variant.
Genome position (GRCh38, 1-based): chr21:45,490,346, G>C. VCF-style: chr21-45490346-G-C. GRCh37 (hg19) VCF-style: chr21-46910260-G-C.
Other names: c.2571G>C, p.Gln857His (NM_030582.4); c.3276G>C, p.Gln1092His (NM_130444.3); c.2571G>C (NM_030582.3); short protein forms Q1092H, Q857H, Q677H.
Identifiers: ClinVar variation 1365998 (VCV001365998.8), dbSNP rs893321400, ClinGen allele CA321918954.

ClinVar aggregate classification (germline): Uncertain significance. Review status: criteria provided, multiple submitters, no conflicts (2 of 4 stars). 3 submissions from 3 submitters: Uncertain significance (3). Last evaluated 2025-09-30.

Conditions:
COL18A1-related disorder. Also called: COL18A1-related disorders; COL18A1-related condition.

Allele frequency attached by ClinVar (database versions not stated): gnomAD 0.00001; gnomAD exomes 0.00001; TOPMed 0.00001.
gnomAD v4.1: 42 of 1,574,928 alleles (0.0027%); highest among the groups gnomAD compares: Non-Finnish European, 0.0036%; no homozygotes.

Submissions (3):

PreventionGenetics, part of Exact Sciences
Classification: Uncertain significance for COL18A1-related condition. Last evaluated: 2025-09-30. Review status: criteria provided, single submitter. Criteria: ACMG Guidelines, 2015. Collection method: clinical testing. Allele origin: germline.
Comment: The COL18A1 c.2571G>C variant is predicted to result in the amino acid substitution p.Gln857His. To our knowledge, this variant has not been reported in the literature. This variant is reported in 0.0013% of alleles in individuals of European (Non-Finnish) descent in gnomAD. At this time, the clinical significance of this variant is uncertain due to the absence of conclusive functional and genetic evidence.

Labcorp Genetics (formerly Invitae), Labcorp
Classification: Uncertain significance. Last evaluated: 2022-06-07. Review status: criteria provided, single submitter. Criteria: Invitae Variant Classification Sherloc (09022015). Collection method: clinical testing. Allele origin: germline.
Comment: In summary, the available evidence is currently insufficient to determine the role of this variant in disease. Therefore, it has been classified as a Variant of Uncertain Significance. Variants that disrupt the consensus splice site are a relatively common cause of aberrant splicing (PMID: 17576681, 9536098). Algorithms developed to predict the effect of sequence changes on RNA splicing suggest that this variant is not likely to affect RNA splicing. ClinVar contains an entry for this variant (Variation ID: 1365998). This variant has not been reported in the literature in individuals affected with COL18A1-related conditions. The frequency data for this variant in the population databases is considered unreliable, as metrics indicate poor data quality at this position in the gnomAD database. This sequence change replaces glutamine, which is neutral and polar, with histidine, which is basic and polar, at codon 677 of the COL18A1 protein (p.Gln677His). This variant also falls at the last nucleotide of exon 20, which is part of the consensus splice site for this exon.

Blueprint Genetics
Classification: Uncertain significance. Last evaluated: 2018-06-21. Review status: criteria provided, single submitter. Criteria: ACMG Guidelines, 2015. Collection method: clinical testing. Allele origin: germline.

Literature cited by the submitters: PubMed 17576681 (cited by Labcorp Genetics (formerly Invitae), Labcorp); PubMed 9536098 (cited by Labcorp Genetics (formerly Invitae), Labcorp).